The following is an entry in ClinVar:

ClinVar aggregate classification (germline): Likely benign (1 of 4 stars; one submission).

gnomAD v4.1: 29 of 1,614,196 alleles (0.0018%); highest among the groups gnomAD compares: East Asian, 0.013%; no homozygotes.

Submission:

CeGaT Center for Human Genetics Tuebingen
Classification: Likely benign. Last evaluated: 2026-01-01. Review status: criteria provided, single submitter. Criteria: CeGaT Center For Human Genetics Tuebingen Variant Classification Criteria Version 2. Collection method: clinical testing. Allele origin: germline. Affected: yes. Observed: 1 variant allele.
Comment: SALL1: BP4, BP7

NM_002968.3(SALL1):c.1161G>A (p.Ala387=)

Gene: SALL1 (spalt like transcription factor 1; minus strand). Cytogenetic location: 16q12.1.
Variant type: single nucleotide variant.
Coding change: c.1161G>A on transcript NM_002968.3 (MANE Select); coding-DNA position 1161, G replaced by A.
Protein change: p.Ala387=; no amino-acid change (alanine 387 retained).
Molecular consequence: synonymous variant.
Genome position (GRCh38, 1-based): chr16:51,141,061, C>T on the plus strand (G>A on the coding strand, the complement: SALL1 is on the minus strand). VCF-style: chr16-51141061-C-T. GRCh37 (hg19) VCF-style: chr16-51174972-C-T.
Other names: c.870G>A, p.Ala290= (NM_001127892.2).
Identifiers: ClinVar variation 4822260 (VCV004822260.4).